The following is an entry in ClinVar:

ClinVar aggregate classification (germline): Uncertain significance (1 of 4 stars; one submission).

gnomAD v4.1: 3 of 1,596,814 alleles (0.00019%); highest among the groups gnomAD compares: Admixed American, 0.0055%; no homozygotes.

Submission:

Labcorp Genetics (formerly Invitae), Labcorp
Classification: Uncertain significance. Last evaluated: 2021-03-23. Review status: criteria provided, single submitter. Criteria: Invitae Variant Classification Sherloc (09022015). Collection method: clinical testing. Allele origin: germline.
Comment: In summary, the available evidence is currently insufficient to determine the role of this variant in disease. Therefore, it has been classified as a Variant of Uncertain Significance. Algorithms developed to predict the effect of missense changes on protein structure and function (SIFT, PolyPhen-2, Align-GVGD) all suggest that this variant is likely to be tolerated, but these predictions have not been confirmed by published functional studies and their clinical significance is uncertain. This variant has not been reported in the literature in individuals with ADGRB2-related conditions. This variant is not present in population databases (ExAC no frequency). This sequence change replaces arginine with glutamine at codon 1528 of the ADGRB2 protein (p.Arg1528Gln). The arginine residue is weakly conserved and there is a small physicochemical difference between arginine and glutamine.

NM_001364857.2(ADGRB2):c.4685G>A (p.Arg1562Gln)

Gene: ADGRB2 (adhesion G protein-coupled receptor B2; minus strand). Cytogenetic location: 1p35.2.
Variant type: single nucleotide variant.
Coding change: c.4685G>A on transcript NM_001364857.2 (MANE Select); coding-DNA position 4685, G replaced by A.
Protein change: p.Arg1562Gln; replaces arginine 1562 with glutamine.
Molecular consequence: missense variant.
Genome position (GRCh38, 1-based): chr1:31,727,493, C>T on the plus strand (G>A on the coding strand, the complement: ADGRB2 is on the minus strand). VCF-style: chr1-31727493-C-T. GRCh37 (hg19) VCF-style: chr1-32193094-C-T.
Other names: c.4682G>A, p.Arg1561Gln (NM_001294335.2); c.4583G>A, p.Arg1528Gln (NM_001294336.2); short protein forms R1528Q, R1562Q, R1561Q.
Identifiers: ClinVar variation 1494750 (VCV001494750.8), dbSNP rs139337826, ClinGen allele CA339593255.